The following is an entry in ClinVar:

ClinVar aggregate classification (germline): Pathogenic (1 of 4 stars; one submission).

Conditions:
Familial cancer of breast. Also called: Hereditary breast cancer; hereditary breast carcinoma; BREAST CANCER, FAMILIAL. Identifiers: Orphanet 227535, MedGen C0346153, MONDO:0016419, OMIM 114480. Disease mechanism: loss of function.

gnomAD v4.1: 1 of 1,613,044 alleles (0.000062%); highest among the groups gnomAD compares: Non-Finnish European, 0.000085%; no homozygotes.

Submission:

Myriad Genetics, Inc.
Classification: Pathogenic for Familial cancer of breast. Last evaluated: 2025-01-21. Review status: criteria provided, single submitter. Criteria: Myriad Autosomal Dominant, Autosomal Recessive and X-Linked Classification Criteria (2023). Collection method: clinical testing. Allele origin: unknown.
Comment: This variant is considered pathogenic. This variant creates a termination codon and is predicted to result in premature protein truncation.

NM_000465.4(BARD1):c.425C>G (p.Ser142Ter)

Gene: BARD1 (BRCA1 associated RING domain 1; minus strand). Cytogenetic location: 2q35.
Variant type: single nucleotide variant.
Coding change: c.425C>G on transcript NM_000465.4 (MANE Select); coding-DNA position 425, C replaced by G.
Protein change: p.Ser142Ter; replaces serine 142 with a stop codon.
Molecular consequence: nonsense. On other transcripts: non-coding transcript variant (2), intron variant (3).
Genome position (GRCh38, 1-based): chr2:214,781,449, G>C on the plus strand (C>G on the coding strand, the complement: BARD1 is on the minus strand). VCF-style: chr2-214781449-G-C. GRCh37 (hg19) VCF-style: chr2-215646173-G-C.
Other names: c.368C>G, p.Ser123Ter (NM_001282543.2); c.158+27963C>G (NM_001282548.2); c.215+15612C>G (NM_001282545.2); c.364+10848C>G (NM_001282549.2); short protein forms S123*, S142*.
Identifiers: ClinVar variation 3903658 (VCV003903658.1).